The following is an entry in ClinVar:

NM_000059.4(BRCA2):c.7307A>T (p.Asn2436Ile)

Gene: BRCA2 (BRCA2 DNA repair associated; plus strand). Cytogenetic location: 13q13.1.
Variant type: single nucleotide variant.
Coding change: c.7307A>T on transcript NM_000059.4 (MANE Select); coding-DNA position 7307, A replaced by T.
Protein change: p.Asn2436Ile; replaces asparagine 2436 with isoleucine.
Molecular consequence: missense variant.
Genome position (GRCh38, 1-based): chr13:32,355,160, A>T. VCF-style: chr13-32355160-A-T. GRCh37 (hg19) VCF-style: chr13-32929297-A-T.
Other names: 7535A>T; short protein forms N2436I.
Identifiers: ClinVar variation 52306 (VCV000052306.26), dbSNP rs80358955, ClinGen allele CA025024.

ClinVar aggregate classification (germline): Benign. Review status: reviewed by expert panel (3 of 4 stars). 10 submissions from 10 submitters: Benign (1). 9 of the submissions do not count toward it. Last evaluated 2015-08-10.

Conditions:
Hereditary cancer-predisposing syndrome. Also called: Neoplastic Syndromes, Hereditary; Hereditary neoplastic syndrome; Hereditary Cancer Syndrome; Tumor predisposition. Identifiers: Orphanet 140162, MedGen C0027672, MeSH D009386, MONDO:0015356.
Hereditary breast ovarian cancer syndrome. Also called: Breast and ovarian cancer; BRCA1- and BRCA2-Associated Hereditary Breast and Ovarian Cancer; Hereditary breast and ovarian cancer syndrome (HBOC); Hereditary breast and/or ovarian cancer syndrome; Hereditary breast and ovarian cancer; Hereditary breast and ovarian cancer syndrome. Identifiers: Orphanet 145, MedGen C0677776, MeSH D061325, MONDO:0003582. Disease mechanism: loss of function.
Breast-ovarian cancer, familial, susceptibility to, 2 (BROVCA2). Also called: BRCA2 Hereditary Breast and Ovarian Cancer. Identifiers: Orphanet 145, MedGen C2675520, MONDO:0012933, OMIM 612555. Disease mechanism: loss of function.
Malignant tumor of breast. Also called: Malignant breast neoplasm; Cancer breast. Identifiers: MedGen C0006142, MONDO:0007254. Disease mechanism: loss of function.

Allele frequency attached by ClinVar (database versions not stated): gnomAD 0.00001; TOPMed 0.00001; gnomAD exomes 0.00008 and 0.00001; ExAC 0.00001.
gnomAD v4.1: 54 of 1,613,794 alleles (0.0033%); highest among the groups gnomAD compares: East Asian, 0.11%; no homozygotes.

Submissions (10):

Evidence-based Network for the Interpretation of Germline Mutant Alleles (ENIGMA)
Classification: Benign for Breast-ovarian cancer, familial 2. Last evaluated: 2015-08-10. Review status: reviewed by expert panel. Criteria: ENIGMA BRCA1/2 Classification Criteria (2015). Collection method: curation. Allele origin: germline.
Comment: IARC class based on posterior probability from multifactorial likelihood analysis, thresholds for class as per Plon et al. 2008 (PMID: 18951446). Class 1 based on posterior probability = 0.000234

Labcorp Genetics (formerly Invitae), Labcorp
Classification: Likely benign for Hereditary breast ovarian cancer syndrome. Last evaluated: 2026-01-07. Review status: criteria provided, single submitter. Criteria: Invitae Variant Classification Sherloc (09022015). Collection method: clinical testing. Allele origin: germline. Not counted in ClinVar's aggregate classification.

Quest Diagnostics Nichols Institute San Juan Capistrano
Classification: Likely benign. Last evaluated: 2023-01-27. Review status: criteria provided, single submitter. Criteria: Quest Diagnostics criteria. Collection method: clinical testing. Allele origin: unknown. Not counted in ClinVar's aggregate classification.

Women's Health and Genetics/Laboratory Corporation of America, LabCorp
Classification: Benign. Last evaluated: 2019-10-10. Review status: criteria provided, single submitter. Criteria: LabCorp Variant Classification Summary - May 2015. Collection method: clinical testing. Allele origin: germline. Not counted in ClinVar's aggregate classification.
Comment: Variant summary: BRCA2 c.7307A>T (p.Asn2436Ile) results in a non-conservative amino acid change in the encoded protein sequence. Four of five in-silico tools predict a benign effect of the variant on protein function. The variant allele was found at a frequency of 0.00053 in 298704 control chromosomes in the gnomAD database. However, the variant was reported in some East Asian subpopulations with an even higher allele frequency, e.g. in the Japanese, with an allele frequency of 0.0039 (in the jMorp database). This frequency is about 5 fold higher than the maximum expected for a pathogenic variant in BRCA2 causing Hereditary Breast and Ovarian Cancer (0.00075), suggesting the variant could be a benign polymorphism found in population(s) from East Asia. The variant, c.7307A>T, has been reported in the literature in individuals of East Asian origin, who were affected with breast and/or ovarian cancer and fallopian tube carcinoma (Choi_2018, Kim_2017, Ikeda_2001). These reports do not provide unequivocal conclusions about association of the variant with Hereditary Breast and Ovarian Cancer. Two recent case-control association studies, involving breast cancer patients and controls of Korean (Park_2017) and Japanese ancestry (Momozawa_2018), found that the variant is not associated with a significant increase risk for breast/ovarian cancer, and therefore the authors of these studies classified the variant as likely benign/benign, respectively. In addition, IARC class based on posterior probability from multifactorial likelihood analysis suggests the variant to be benign (Lindor_2012, Easton_2007). To our knowledge, no experimental evidence demonstrating an impact on protein function has been reported. Four other submitters, including one expert panel (ENIGMA) have provided clinical-significance assessments for this variant in ClinVar after 2014, and classified the variant as likely benign (2x) / benign (2x). Based on the evidence outlined above, the variant was classified as benign.

Mendelics
Classification: Likely benign for Breast-ovarian cancer, familial, susceptibility to, 2. Last evaluated: 2019-05-28. Review status: criteria provided, single submitter. Criteria: Mendelics Assertion Criteria 2017. Collection method: clinical testing. Allele origin: unknown. Not counted in ClinVar's aggregate classification.

GeneDx
Classification: Likely benign. Last evaluated: 2019-03-21. Review status: criteria provided, single submitter. Criteria: GeneDx Variant Classification Process June 2021. Collection method: clinical testing. Allele origin: germline. Affected: yes. Not counted in ClinVar's aggregate classification.
Comment: This variant is associated with the following publications: (PMID: 17924331, 11149425, 29338689, 29770616, 21990134, 24323938, 28866612, 28111427, 29192238, 28591652, 29731985, 30415210, 32444794, 32426482)

Color Diagnostics, LLC DBA Color Health
Classification: Benign for Hereditary cancer-predisposing syndrome. Last evaluated: 2015-12-15. Review status: criteria provided, single submitter. Criteria: ACMG Guidelines, 2015. Collection method: clinical testing. Allele origin: germline. Not counted in ClinVar's aggregate classification.

Ambry Genetics
Classification: Benign for Hereditary cancer-predisposing syndrome. Last evaluated: 2014-11-19. Review status: criteria provided, single submitter. Criteria: Ambry Variant Classification Scheme 2023. Collection method: clinical testing. Allele origin: germline. Not counted in ClinVar's aggregate classification.

Breast Cancer Information Core (BIC) (BRCA2)
Classification: Uncertain significance for Breast-ovarian cancer, familial 2. Last evaluated: 2004-02-20. Review status: no assertion criteria provided. Collection method: clinical testing. Allele origin: germline. Affected: yes. Observed: 2 variant alleles. Not counted in ClinVar's aggregate classification.

Department of Pathology and Laboratory Medicine, Sinai Health System
Classification: Likely benign for Malignant tumor of breast. Review status: no assertion criteria provided. Collection method: clinical testing. Allele origin: unknown. Affected: yes. Study: The Canadian Open Genetics Repository (COGR). Not counted in ClinVar's aggregate classification.
Comment: The BRCA2 p.Asn2436Ile variant was identified in the literature however the frequency of this variant in an affected population was not provided. The variant was also identified in dbSNP (ID: rs80358955) as With Uncertain significance allele, ClinVar (classified as benign by ENIGMA, Ambry Genetics; classified as likely benign by GeneDx; classified as uncertain significance by Invitae, BIC), LOVD 3.0 (predicted neutral), UMD-LSDB (1X classified as uncertain significance), BIC Database (2X with unknown clinical importance), ARUP Laboratories (with not pathogenic or of no clinical significance), databases. The variant was not identified in Cosmic, MutDB, Zhejiang Colon Cancer Database, databases. The variant was identified in control databases in 3 of 246016 chromosomes at a frequency of 0.000012, however with this low number the prevalence of this variant in the general population could not be determined. (Genome Aggregation Consortium Feb 27, 2017). The p.Asn2436 residue is not conserved in mammals and four out of five computational analyses (PolyPhen-2, SIFT, AlignGVGD, BLOSUM, MutationTaster) do not suggest a high likelihood of impact to the protein; however, this information is not predictive enough to rule out pathogenicity. The variant occurs outside of the splicing consensus sequence and 1 of 5 in silico or computational prediction software programs (SpliceSiteFinder, MaxEntScan, NNSPLICE, GeneSplicer, HumanSpliceFinder) predict a greater than 10% difference in splicing; this is not very predictive of pathogenicity. The variant is located with the Breast cancer type 2 susceptibility protein functional domain increasing the likelihood that it may have clinical significance. In addition, functional study by Easton (2007) identify the variant has odds in favor of neutrality 132 and cosegregation with disease in pedigree-.41. In summary, based on the above information, the clinical significance of this variant cannot be determined with certainty at this time although we would lean towards a more benign role for this variant. This variant is classified as likely benign.

Literature cited by the submitters: PubMed 21990134 (cited by 3 submitters); PubMed 28111427 (cited by Quest Diagnostics Nichols Institute San Juan Capistrano and Women's Health and Genetics/Laboratory Corporation of America, LabCorp); PubMed 24323938 (cited by Quest Diagnostics Nichols Institute San Juan Capistrano and Women's Health and Genetics/Laboratory Corporation of America, LabCorp); PubMed 17924331 (cited by Quest Diagnostics Nichols Institute San Juan Capistrano and Women's Health and Genetics/Laboratory Corporation of America, LabCorp); PubMed 11149425 (cited by Quest Diagnostics Nichols Institute San Juan Capistrano and Women's Health and Genetics/Laboratory Corporation of America, LabCorp); PubMed 30287823 (cited by Quest Diagnostics Nichols Institute San Juan Capistrano and Women's Health and Genetics/Laboratory Corporation of America, LabCorp); PubMed 31825140 (cited by Quest Diagnostics Nichols Institute San Juan Capistrano); PubMed 33471991 (cited by Quest Diagnostics Nichols Institute San Juan Capistrano); PubMed 30415210 (cited by Quest Diagnostics Nichols Institute San Juan Capistrano); PubMed 32426482 (cited by Quest Diagnostics Nichols Institute San Juan Capistrano); PubMed 32444794 (cited by Quest Diagnostics Nichols Institute San Juan Capistrano); PubMed 28351343 (cited by Women's Health and Genetics/Laboratory Corporation of America, LabCorp); PubMed 29770616 (cited by Women's Health and Genetics/Laboratory Corporation of America, LabCorp); PubMed 29731985 (cited by Women's Health and Genetics/Laboratory Corporation of America, LabCorp).